The following is an entry in ClinVar:

NM_002617.4(PEX10):c.194-1G>A

Gene: PEX10 (peroxisomal biogenesis factor 10; minus strand). Cytogenetic location: 1p36.32.
Variant type: single nucleotide variant.
Coding change: c.194-1G>A on transcript NM_002617.4 (MANE Select); the canonical splice acceptor site of the intron before coding-DNA position 194, G replaced by A.
Molecular consequence: splice acceptor variant.
Genome position (GRCh38, 1-based): chr1:2,408,859, C>T on the plus strand (G>A on the coding strand, the complement: PEX10 is on the minus strand). VCF-style: chr1-2408859-C-T. GRCh37 (hg19) VCF-style: chr1-2340298-C-T.
Other names: c.-239-1G>A (NM_001374427.1, NM_001374426.1); c.194-1G>A (NM_001374425.1, NM_153818.2).
Identifiers: ClinVar variation 3370421 (VCV003370421.1).

ClinVar aggregate classification (germline): Likely pathogenic (0 of 4 stars; one submission).

Conditions:
Peroxisome biogenesis disorder 6A (Zellweger). Also called: Peroxisome biogenesis disorder 6A. Identifiers: Orphanet 912, MedGen C3553947, MONDO:0013936, OMIM 614870.
Peroxisome biogenesis disorder 6B (PBD6B). Identifiers: Orphanet 44, MedGen C3553948, MONDO:0013937, OMIM 614871.

Submission:

Department of Genetics, Suzhou Beikang Medical Laboratory
Classification: Likely pathogenic for Peroxisome biogenesis disorder 6A (Zellweger); Peroxisome biogenesis disorder 6B. Last evaluated: 2024-10-31. Review status: no assertion criteria provided. Collection method: clinical testing. Allele origin: germline. Affected: no.
Comment: In summary, the currently available evidence indicates that the variant is pathogenic, but additional data are needed to prove that conclusively. Therefore, this variant has been classified as Likely Pathogenic. Algorithms developed to predict the effect of sequence changes on RNA splicing suggest that this variant may disrupt the consensus splice site. It is expected to disrupt RNA splicing. Variants that disrupt the donor or acceptor splice site typically lead to a loss of protein function (PMID: 16199547), and loss-of-function variants in PEX10 are known to be pathogenic (PMID: 10862081, 20695019). This sequence change affects an acceptor splice site in intron 2 of the PEX10 gene. This variant has not been reported in the literature in individuals affected with PEX10-related conditions. This variant is not present in population databases (ExAC no frequency).